The following is an entry in ClinVar:

ClinVar aggregate classification (germline): Conflicting classifications of pathogenicity. Review status: criteria provided, conflicting classifications (1 of 4 stars). 3 submissions from 3 submitters: Uncertain significance (2); Likely benign (1). Last evaluated 2025-12-11.

Conditions:
Charcot-Marie-Tooth disease dominant intermediate C (CMTDIC). Also called: CHARCOT-MARIE-TOOTH NEUROPATHY, DOMINANT INTERMEDIATE C. Identifiers: Orphanet 100045, MedGen C1842237, MONDO:0012012, OMIM 608323.
YARS1-related disorder. Also called: YARS1-related condition.

Allele frequency attached by ClinVar (database versions not stated): gnomAD exomes below 0.00001 and 0.00002; ExAC 0.00001; TOPMed 0.00001.
gnomAD v4.1: 25 of 1,613,134 alleles (0.0015%); highest among the groups gnomAD compares: East Asian, 0.0045%; no homozygotes.

Submissions (3):

PreventionGenetics, part of Exact Sciences
Classification: Likely benign for YARS1-related condition. Last evaluated: 2025-12-11. Review status: criteria provided, single submitter. Criteria: ACMG Guidelines, 2015. Collection method: clinical testing. Allele origin: germline.
Comment: This variant is classified as likely benign based on ACMG/AMP sequence variant interpretation guidelines (Richards et al. 2015 PMID: 25741868, with internal and published modifications).

Labcorp Genetics (formerly Invitae), Labcorp
Classification: Uncertain significance for Charcot-Marie-Tooth disease dominant intermediate C. Last evaluated: 2025-02-24. Review status: criteria provided, single submitter. Criteria: Invitae Variant Classification Sherloc (09022015). Collection method: clinical testing. Allele origin: germline.
Comment: This sequence change falls in intron 7 of the YARS gene. It does not directly change the encoded amino acid sequence of the YARS protein. It affects a nucleotide within the consensus splice site. This variant is present in population databases (rs757673905, gnomAD 0.0009%). This variant has not been reported in the literature in individuals affected with YARS-related conditions. ClinVar contains an entry for this variant (Variation ID: 658402). Variants that disrupt the consensus splice site are a relatively common cause of aberrant splicing (PMID: 17576681, 9536098). Algorithms developed to predict the effect of sequence changes on RNA splicing suggest that this variant is not likely to affect RNA splicing. In summary, the available evidence is currently insufficient to determine the role of this variant in disease. Therefore, it has been classified as a Variant of Uncertain Significance.

Women's Health and Genetics/Laboratory Corporation of America, LabCorp
Classification: Uncertain significance. Last evaluated: 2024-02-08. Review status: criteria provided, single submitter. Criteria: LabCorp Variant Classification Summary - May 2015. Collection method: clinical testing. Allele origin: germline.
Comment: Variant summary: YARS1 c.821-3T>C alters a nucleotide located close to a canonical splice site and therefore could affect mRNA splicing, leading to a significantly altered protein sequence. Consensus agreement among computation tools predict no significant impact on normal splicing. However, these predictions have yet to be confirmed by functional studies. The variant allele was found at a frequency of 4e-06 in 249958 control chromosomes. The available data on variant occurrences in the general population are insufficient to allow any conclusion about variant significance. To our knowledge, no occurrence of c.821-3T>C in individuals affected with YARS1-Related Disorders and no experimental evidence demonstrating its impact on protein function have been reported. ClinVar contains an entry for this variant (Variation ID: 658402). Based on the evidence outlined above, the variant was classified as uncertain significance.

Literature cited by the submitters: PubMed 17576681 (cited by Labcorp Genetics (formerly Invitae), Labcorp); PubMed 9536098 (cited by Labcorp Genetics (formerly Invitae), Labcorp).

NM_003680.4(YARS1):c.821-3T>C

Genes: YARS1 (tyrosyl-tRNA synthetase 1; minus strand), LOC126805688 (BRD4-independent group 4 enhancer GRCh37_chr1:33251929-33253128; plus strand). Cytogenetic location: 1p35.1.
Variant type: single nucleotide variant.
Coding change: c.821-3T>C on transcript NM_003680.4 (MANE Select); 3 bases into the intron before coding-DNA position 821, T replaced by C.
Molecular consequence: intron variant.
Genome position (GRCh38, 1-based): chr1:32,786,450, A>G on the plus strand (T>C on the coding strand, the complement: YARS1 is on the minus strand). VCF-style: chr1-32786450-A-G. GRCh37 (hg19) VCF-style: chr1-33252051-A-G.
Identifiers: ClinVar variation 658402 (VCV000658402.14), dbSNP rs757673905, ClinGen allele CA745079.
Genomic context (GRCh38, chr1:32,786,450, plus strand): 5'-ACGTAAGCTGTGTAGGTTTTGTTTCCACCCCATTTCTCATCTCGTAGGATCACAAACTCT[A>G]TAAGGAAAAGGATCCATGTCAACAAACTCATTGACAGCATTCCTAGCTCACATGCATGAC-3'